The following is an entry in ClinVar:

ClinVar aggregate classification (germline): Pathogenic (1 of 4 stars; one submission).

Submission:

Labcorp Genetics (formerly Invitae), Labcorp
Classification: Pathogenic. Last evaluated: 2022-06-13. Review status: criteria provided, single submitter. Criteria: Invitae Variant Classification Sherloc (09022015). Collection method: clinical testing. Allele origin: germline.
Comment: For these reasons, this variant has been classified as Pathogenic. This variant has not been reported in the literature in individuals affected with ADGRV1-related conditions. This variant is not present in population databases (gnomAD no frequency). This sequence change creates a premature translational stop signal (p.Ala5542Leufs*19) in the ADGRV1 gene. It is expected to result in an absent or disrupted protein product. Loss-of-function variants in ADGRV1 are known to be pathogenic (PMID: 19357117, 22135276, 22147658, 26226137, 26667666, 30029497, 32467589).

Literature cited by the submitters: PubMed 19357117; PubMed 22135276; PubMed 22147658; PubMed 26226137; PubMed 26667666; PubMed 30029497; PubMed 32467589.

NM_032119.4(ADGRV1):c.16624del (p.Ala5542fs)

Gene: ADGRV1 (adhesion G protein-coupled receptor V1; plus strand). Cytogenetic location: 5q14.3.
Variant type: Deletion.
Coding change: c.16624del on transcript NM_032119.4 (MANE Select); coding-DNA position 16624, one base deleted (G; older notation c.16624delG).
Protein change: p.Ala5542fs; shifts the reading frame from alanine 5542.
Molecular consequence: frameshift variant. On other transcripts: non-coding transcript variant (1).
Genome position (GRCh38, 1-based): chr5:90,840,590, G deleted. VCF-style (leftmost placement, unchanged base first): chr5-90840589-TG-T. GRCh37 (hg19) VCF-style: chr5-90136406-TG-T.
Other names: short protein forms A5542fs.
Identifiers: ClinVar variation 1354575 (VCV001354575.6), dbSNP rs2150359133, ClinGen allele CA2573140029.